The following is an entry in ClinVar:

NM_001042492.3(NF1):c.5357C>T (p.Ser1786Leu)

Gene: NF1 (neurofibromin 1; plus strand). Cytogenetic location: 17q11.2.
Variant type: single nucleotide variant.
Coding change: c.5357C>T on transcript NM_001042492.3 (MANE Select); coding-DNA position 5357, C replaced by T.
Protein change: p.Ser1786Leu; replaces serine 1786 with leucine.
Molecular consequence: missense variant.
Genome position (GRCh38, 1-based): chr17:31,327,587, C>T. VCF-style: chr17-31327587-C-T. GRCh37 (hg19) VCF-style: chr17-29654605-C-T.
Other names: c.5294C>T, p.Ser1765Leu (NM_000267.4); short protein forms S1765L, S1786L.
Identifiers: ClinVar variation 457751 (VCV000457751.27), dbSNP rs1555533569, ClinGen allele CA399009256.
Genomic context (GRCh38, chr17:31,327,587, plus strand): 5'-CAGCAGAGCGAACAAAAGTCCTAGGGCAATCAGTCTTTCTAAATGACATTTATTATGCTT[C>T]GGAAATTGAAGAAATCTGCCTAGTAGATGAGAACCAGTTCACCTTAACCATTGCAAACCA-3'
Protein context (NP_001035957.1, residues 1776-1796): SVFLNDIYYA[Ser1786Leu]EIEEICLVDE

ClinVar aggregate classification (germline): Conflicting classifications of pathogenicity. Review status: criteria provided, conflicting classifications (1 of 4 stars). 4 submissions from 4 submitters: Uncertain significance (3); Likely benign (1). Last evaluated 2025-07-22.

Conditions:
Neurofibromatosis, type 1 (NF1). Also called: Neurofibromatosis, type I; NEUROFIBROMATOSIS, TYPE I, SOMATIC; Peripheral type neurofibromatosis; VON RECKLINGHAUSEN DISEASE. Identifiers: Orphanet 636, MedGen C0027831, MONDO:0018975, OMIM 162200. Disease mechanism: loss of function.
Hereditary cancer-predisposing syndrome. Also called: Hereditary neoplastic syndrome; Neoplastic Syndromes, Hereditary; Hereditary Cancer Syndrome; Tumor predisposition. Identifiers: Orphanet 140162, MedGen C0027672, MeSH D009386, MONDO:0015356.
Cardiovascular phenotype. Identifiers: MedGen CN230736.

Allele frequency attached by ClinVar (database versions not stated): gnomAD exomes below 0.00001; TOPMed below 0.00001; gnomAD 0.00001.
gnomAD v4.1: 5 of 1,614,048 alleles (0.00031%); highest among the groups gnomAD compares: Admixed American, 0.0017%; no homozygotes.

Submissions (4):

Labcorp Genetics (formerly Invitae), Labcorp
Classification: Likely benign for Neurofibromatosis, type 1. Last evaluated: 2025-07-22. Review status: criteria provided, single submitter. Criteria: Invitae Variant Classification Sherloc (09022015). Collection method: clinical testing. Allele origin: germline.

Ambry Genetics
Classification: Uncertain significance for Cardiovascular phenotype; Hereditary cancer-predisposing syndrome. Last evaluated: 2025-07-05. Review status: criteria provided, single submitter. Criteria: Ambry Variant Classification Scheme 2023. Collection method: clinical testing. Allele origin: germline.
Comment: The p.S1765L variant (also known as c.5294C>T), located in coding exon 37 of the NF1 gene, results from a C to T substitution at nucleotide position 5294. The serine at codon 1765 is replaced by leucine, an amino acid with dissimilar properties. This amino acid position is highly conserved in available vertebrate species. In addition, this alteration is predicted to be deleterious by in silico analysis. Since supporting evidence is limited at this time, the clinical significance of this alteration remains unclear.

CeGaT Center for Human Genetics Tuebingen
Classification: Uncertain significance. Last evaluated: 2024-07-01. Review status: criteria provided, single submitter. Criteria: CeGaT Center For Human Genetics Tuebingen Variant Classification Criteria Version 2. Collection method: clinical testing. Allele origin: germline. Affected: yes. Observed: 1 variant allele.
Comment: NF1: PP2, PP3

Blueprint Genetics
Classification: Uncertain significance. Last evaluated: 2018-03-22. Review status: criteria provided, single submitter. Criteria: ACMG Guidelines, 2015. Collection method: clinical testing. Allele origin: germline.